The following is an entry in ClinVar:

ClinVar aggregate classification (germline): Pathogenic (1 of 4 stars; one submission).

Conditions:
Duchenne muscular dystrophy (DMD). Also called: Duchenne Muscular Dystrophy (DMD); MUSCULAR DYSTROPHY, PSEUDOHYPERTROPHIC PROGRESSIVE, DUCHENNE TYPE. Identifiers: Orphanet 98896, MedGen C0013264, MONDO:0010679, OMIM 310200.

Submission:

Labcorp Genetics (formerly Invitae), Labcorp
Classification: Pathogenic for Duchenne muscular dystrophy. Last evaluated: 2021-08-12. Review status: criteria provided, single submitter. Criteria: Invitae Variant Classification Sherloc (09022015). Collection method: clinical testing. Allele origin: germline.
Comment: This variant is a gross deletion of the genomic region encompassing exon(s) 14-37 of the DMD gene. This variant would be expected to be in-frame, preserving the integrity of the reading frame. This variant has not been reported in the literature in individuals affected with DMD-related conditions. The region of the DMD gene that includes exon(s) 27 has been determined to be clinically significant (PMID: 16770791, 20036901, 27593222). Therefore, deletions that encompass that region are likely to be disease-causing. For these reasons, this variant has been classified as Pathogenic.

Literature cited by the submitters: PubMed 16770791; PubMed 20036901; PubMed 27593222.

NC_000023.10:g.(?_32380895)_(32591973_?)del

Gene: DMD (dystrophin; minus strand). Cytogenetic location: Xp21.1.
Variant type: Deletion.
Identifiers: ClinVar variation 1459123 (VCV001459123.6).